The following is an entry in ClinVar:

ClinVar aggregate classification (germline): Uncertain significance. Review status: criteria provided, multiple submitters, no conflicts (2 of 4 stars). 2 submissions from 2 submitters: Uncertain significance (2). Last evaluated 2025-04-28.

Allele frequency attached by ClinVar (database versions not stated): gnomAD exomes 0.00001; TOPMed 0.00001; gnomAD 0.00002.
gnomAD v4.1: 15 of 1,613,618 alleles (0.00093%); highest among the groups gnomAD compares: African/African-American, 0.004%; no homozygotes.

Submissions (2):

Labcorp Genetics (formerly Invitae), Labcorp
Classification: Uncertain significance. Last evaluated: 2025-04-28. Review status: criteria provided, single submitter. Criteria: Invitae Variant Classification Sherloc (09022015). Collection method: clinical testing. Allele origin: germline.
Comment: This sequence change replaces arginine, which is basic and polar, with tryptophan, which is neutral and slightly polar, at codon 191 of the RDH5 protein (p.Arg191Trp). This variant is present in population databases (no rsID available, gnomAD 0.01%). This variant has not been reported in the literature in individuals affected with RDH5-related conditions. ClinVar contains an entry for this variant (Variation ID: 1353303). An algorithm developed to predict the effect of missense changes on protein structure and function (PolyPhen-2) suggests that this variant is likely to be disruptive. In summary, the available evidence is currently insufficient to determine the role of this variant in disease. Therefore, it has been classified as a Variant of Uncertain Significance.

Blueprint Genetics
Classification: Uncertain significance. Last evaluated: 2023-06-06. Review status: criteria provided, single submitter. Criteria: ACMG Guidelines, 2015. Collection method: clinical testing. Allele origin: germline.

NM_002905.5(RDH5):c.571C>T (p.Arg191Trp)

Genes: RDH5 (retinol dehydrogenase 5; plus strand), BLOC1S1-RDH5 (BLOC1S1-RDH5 readthrough; plus strand), CD63 (CD63 molecule; minus strand). Cytogenetic location: 12q13.2.
Variant type: single nucleotide variant.
Coding change: c.571C>T on transcript NM_002905.5 (MANE Select); coding-DNA position 571, C replaced by T.
Protein change: p.Arg191Trp; replaces arginine 191 with tryptophan.
Molecular consequence: missense variant. On other transcripts: non-coding transcript variant (1).
Genome position (GRCh38, 1-based): chr12:55,723,887, C>T. VCF-style: chr12-55723887-C-T. GRCh37 (hg19) VCF-style: chr12-56117671-C-T.
Other names: c.571C>T, p.Arg191Trp (NM_001199771.3); short protein forms R191W.
Identifiers: ClinVar variation 1353303 (VCV001353303.7), dbSNP rs1014376416, ClinGen allele CA237594791.